The following is an entry in ClinVar:

ClinVar aggregate classification (germline): Conflicting classifications of pathogenicity. Review status: criteria provided, conflicting classifications (1 of 4 stars). 3 submissions from 3 submitters: Uncertain significance (1); Likely benign (2). Last evaluated 2025-07-09.

Conditions:
Neuronopathy, distal hereditary motor, type 2C. Also called: HMN IIC; NEUROPATHY, DISTAL HEREDITARY MOTOR, AUTOSOMAL DOMINANT 4; NEURONOPATHY, DISTAL HEREDITARY MOTOR, HARDING TYPE IIC; NEUROPATHY, DISTAL HEREDITARY MOTOR, HARDING TYPE IIC. Identifiers: Orphanet 139525, MedGen C3150619, MONDO:0013243, OMIM 613376.

Allele frequency attached by ClinVar (database versions not stated): ESP Exome Variant Server 0.00008; TOPMed 0.00010.
gnomAD v4.1: 256 of 1,614,102 alleles (0.016%); highest among the groups gnomAD compares: Admixed American, 0.058%; 1 homozygote.

Submissions (3):

Labcorp Genetics (formerly Invitae), Labcorp
Classification: Likely benign for Neuronopathy, distal hereditary motor, type 2C. Last evaluated: 2025-07-09. Review status: criteria provided, single submitter. Criteria: Invitae Variant Classification Sherloc (09022015). Collection method: clinical testing. Allele origin: germline.

ARUP Laboratories, Molecular Genetics and Genomics, ARUP Laboratories
Classification: Uncertain significance for Neuronopathy, distal hereditary motor, type 2C. Last evaluated: 2018-10-12. Review status: criteria provided, single submitter. Criteria: ARUP Molecular Germline Variant Investigation Process. Collection method: clinical testing. Allele origin: germline.
Comment: The HSPB3 c.347G>C; The arginine at codon 116 is highly conserved, and computational analyses (SIFT, PolyPhen-2) predict that this variant is deleterious. Studies of this variant in cultured cells indicate that it cannot interact with its binding partner HSPB2 and that it forms aggregates that may alter nuclear architecture. However, in the Genome Aggregation Database the p.Arg116Pro variant is found in the Ashkenazi Jewish population with an overall allele frequency of 0.39% (40/10148 alleles), which exceeds the estimated prevalence of the most common hereditary neuropathy, Charcot-Marie-Tooth disease, at 1 in 2500 (Barreto 2016). Due to conflicting information, the clinical significance of the p.Arg116Pro variant is uncertain at this time. References: Barreto LC et al. Epidemiologic Study of Charcot-Marie-Tooth Disease: A Systematic Review. Neuroepidemiology. 2016;46(3):157-65. Morelli FF et al. Aberrant Compartment Formation by HSPB2 Mislocalizes Lamin A and Compromises Nuclear Integrity and Function. Cell Rep. 2017 Aug 29;20(9):2100-2115.

Illumina Laboratory Services, Illumina
Classification: Likely benign for Neuronopathy, distal hereditary motor, type 2C. Last evaluated: 2017-04-27. Review status: criteria provided, single submitter. Criteria: ICSL Variant Classification Criteria 13 December 2019. Collection method: clinical testing. Allele origin: germline.
Comment: This variant was observed as part of a predisposition screen in an ostensibly healthy population. A literature search was performed for the gene, cDNA change, and amino acid change (where applicable). No publications were found based on this search. Allele frequency data from public databases allowed determination this variant is unlikely to cause disease. Therefore, this variant is classified as likely benign.

NM_006308.3(HSPB3):c.347G>C (p.Arg116Pro)

Gene: HSPB3 (heat shock protein family B (small) member 3; plus strand). Cytogenetic location: 5q11.2.
Variant type: single nucleotide variant.
Coding change: c.347G>C on transcript NM_006308.3 (MANE Select); coding-DNA position 347, G replaced by C.
Protein change: p.Arg116Pro; replaces arginine 116 with proline.
Molecular consequence: missense variant.
Genome position (GRCh38, 1-based): chr5:54,456,136, G>C. VCF-style: chr5-54456136-G-C. GRCh37 (hg19) VCF-style: chr5-53751966-G-C.
Other names: short protein forms R116P.
Identifiers: ClinVar variation 353901 (VCV000353901.24), dbSNP rs150931007, ClinGen allele CA3264674.